The following is an entry in ClinVar:

ClinVar aggregate classification (germline): Uncertain significance (1 of 4 stars; one submission).

Conditions:
T-B+ severe combined immunodeficiency due to JAK3 deficiency. Also called: SCID, autosomal recessive, T-negative/B-positive type; SCID, T CELL-NEGATIVE, B CELL-POSITIVE, NK CELL-NEGATIVE. Identifiers: Orphanet 35078, MedGen C1833275, MONDO:0010938, OMIM 600802.

Allele frequency attached by ClinVar (database versions not stated): gnomAD exomes below 0.00001 and 0.00001; TOPMed below 0.00001.
gnomAD v4.1: 1 of 1,556,450 alleles (0.000064%); highest among the groups gnomAD compares: South Asian, 0.0012%; no homozygotes.

Submission:

Labcorp Genetics (formerly Invitae), Labcorp
Classification: Uncertain significance for T-B+ severe combined immunodeficiency due to JAK3 deficiency. Last evaluated: 2024-01-22. Review status: criteria provided, single submitter. Criteria: Invitae Variant Classification Sherloc (09022015). Collection method: clinical testing. Allele origin: germline.
Comment: This sequence change replaces cysteine, which is neutral and slightly polar, with phenylalanine, which is neutral and non-polar, at codon 360 of the JAK3 protein (p.Cys360Phe). The frequency data for this variant in the population databases is considered unreliable, as metrics indicate poor data quality at this position in the gnomAD database. This variant has not been reported in the literature in individuals affected with JAK3-related conditions. ClinVar contains an entry for this variant (Variation ID: 1361191). Advanced modeling of protein sequence and biophysical properties (such as structural, functional, and spatial information, amino acid conservation, physicochemical variation, residue mobility, and thermodynamic stability) performed at Invitae indicates that this missense variant is expected to disrupt JAK3 protein function with a positive predictive value of 80%. In summary, the available evidence is currently insufficient to determine the role of this variant in disease. Therefore, it has been classified as a Variant of Uncertain Significance.

NM_000215.4(JAK3):c.1079G>T (p.Cys360Phe)

Gene: JAK3 (Janus kinase 3; minus strand). Cytogenetic location: 19p13.11.
Variant type: single nucleotide variant.
Coding change: c.1079G>T on transcript NM_000215.4 (MANE Select); coding-DNA position 1079, G replaced by T.
Protein change: p.Cys360Phe; replaces cysteine 360 with phenylalanine.
Molecular consequence: missense variant.
Genome position (GRCh38, 1-based): chr19:17,841,452, C>A on the plus strand (G>T on the coding strand, the complement: JAK3 is on the minus strand). VCF-style: chr19-17841452-C-A. GRCh37 (hg19) VCF-style: chr19-17952261-C-A.
Other names: short protein forms C360F.
Identifiers: ClinVar variation 1361191 (VCV001361191.4), dbSNP rs945125325, ClinGen allele CA306138585.